The following is an entry in ClinVar:

ClinVar aggregate classification (germline): Uncertain significance (1 of 4 stars; one submission).

gnomAD v4.1: 2 of 1,554,024 alleles (0.00013%); highest among the groups gnomAD compares: Non-Finnish European, 0.00017%; no homozygotes.

Submission:

GeneDx
Classification: Uncertain significance. Last evaluated: 2024-05-22. Review status: criteria provided, single submitter. Criteria: GeneDx Variant Classification Process June 2021. Collection method: clinical testing. Allele origin: germline. Affected: yes.
Comment: In silico analysis indicates that this missense variant does not alter protein structure/function; Has not been previously published as pathogenic or benign to our knowledge

NM_015443.4(KANSL1):c.491G>A (p.Ser164Asn)

Gene: KANSL1 (KAT8 regulatory NSL complex subunit 1). Cytogenetic location: 17q21.31.
Variant type: single nucleotide variant.
Coding change: c.491G>A on transcript NM_015443.4 (MANE Select); coding-DNA position 491, G replaced by A.
Protein change: p.Ser164Asn; replaces serine 164 with asparagine.
Molecular consequence: missense variant. On other transcripts: intron variant (4).
Genome position (GRCh38, 1-based): chr17:46,171,653, C>T on the plus strand (G>A on the coding strand, the complement: KANSL1 is on the minus strand). VCF-style: chr17-46171653-C-T. GRCh37 (hg19) VCF-style: chr17-44249019-C-T.
Other names: c.491G>A, p.Ser164Asn (NM_001193465.2, NM_001193466.2, NM_001379198.1 and 18 more transcripts); c.23+52018G>A (NM_001405885.1, NM_001405884.1, NM_001405883.1 and 1 more transcripts); short protein forms S164N.
Identifiers: ClinVar variation 3381676 (VCV003381676.1).